The following is an entry in ClinVar:

NM_000135.4(FANCA):c.706T>C (p.Ser236Pro)

Gene: FANCA (FA complementation group A; minus strand). Cytogenetic location: 16q24.3.
Variant type: single nucleotide variant.
Coding change: c.706T>C on transcript NM_000135.4 (MANE Select); coding-DNA position 706, T replaced by C.
Protein change: p.Ser236Pro; replaces serine 236 with proline.
Molecular consequence: missense variant.
Genome position (GRCh38, 1-based): chr16:89,805,283, A>G on the plus strand (T>C on the coding strand, the complement: FANCA is on the minus strand). VCF-style: chr16-89805283-A-G. GRCh37 (hg19) VCF-style: chr16-89871691-A-G.
Other names: c.706T>C, p.Ser236Pro (NM_001018112.3, NM_001286167.3); c.610T>C, p.Ser204Pro (NM_001351830.2); short protein forms S236P, S204P.
Identifiers: ClinVar variation 4022242 (VCV004022242.1).
Genomic context (GRCh38, chr16:89,805,283, plus strand): 5'-ATTATCACAGATCAAAATGAGTTTTACCCAAGAACCCGCATCTTGTCATGAACGCACCAG[A>G]AAGCATGGCCCTGGCGACGTCAGCATGCTGGCAGGATGCTTCCATCTGTTCACAAAGGCA-3'
Protein context (NP_000126.2, residues 226-246): QHADVARAML[Ser236Pro]DFVQMFVLRG

ClinVar aggregate classification (germline): Uncertain significance (1 of 4 stars; one submission).

Conditions:
Inborn genetic diseases. Identifiers: MedGen C0950123, MeSH D030342.

Submission:

Ambry Genetics
Classification: Uncertain significance for Inborn genetic diseases. Last evaluated: 2025-05-05. Review status: criteria provided, single submitter. Criteria: Ambry Variant Classification Scheme 2023. Collection method: clinical testing. Allele origin: germline.
Comment: The p.S236P variant (also known as c.706T>C), located in coding exon 7 of the FANCA gene, results from a T to C substitution at nucleotide position 706. The serine at codon 236 is replaced by proline, an amino acid with similar properties. This amino acid position is conserved. In addition, this alteration is predicted to be tolerated by in silico analysis. Based on the available evidence, the clinical significance of this variant remains unclear.